The following is an entry in ClinVar:

NM_000051.4(ATM):c.1660A>C (p.Thr554Pro)

Gene: ATM (ATM serine/threonine kinase; plus strand). Cytogenetic location: 11q22.3.
Variant type: single nucleotide variant.
Coding change: c.1660A>C on transcript NM_000051.4 (MANE Select); coding-DNA position 1660, A replaced by C.
Protein change: p.Thr554Pro; replaces threonine 554 with proline.
Molecular consequence: missense variant.
Genome position (GRCh38, 1-based): chr11:108,251,889, A>C. VCF-style: chr11-108251889-A-C. GRCh37 (hg19) VCF-style: chr11-108122616-A-C.
Other names: c.1660A>C, p.Thr554Pro (NM_001351834.2); short protein forms T554P.
Identifiers: ClinVar variation 1420896 (VCV001420896.13), dbSNP rs1060788, ClinGen allele CA382535072.
Genomic context (GRCh38, chr11:108,251,889, plus strand): 5'-TGTTATAGTCCTGCAGTATGCTGTTTGACTTTGGCACTGACCACCAGTATAGTTCCAGGA[A>C]CGGTAAAAATGGGAATAGAGCAAAATATGTGTGAAGTAAATAGAAGCTTTTCTTTAAAGG-3'
Protein context (NP_000042.3, residues 544-564): LALTTSIVPG[Thr554Pro]VKMGIEQNMC

ClinVar aggregate classification (germline): Uncertain significance. Review status: criteria provided, multiple submitters, no conflicts (2 of 4 stars). 4 submissions from 4 submitters: Uncertain significance (4). Last evaluated 2024-11-14.

Conditions:
Ataxia-telangiectasia syndrome (AT). Also called: Ataxia telangiectasia (A-T); LOUIS-BAR SYNDROME; Cerebello-oculocutaneous telangiectasia; Immunodeficiency with ataxia telangiectasia; AT, COMPLEMENTATION GROUP C; Ataxia-telangiectasia, complementation group D. Identifiers: Orphanet 100, MedGen C0004135, MONDO:0008840, OMIM 208900.
Familial cancer of breast. Also called: BREAST CANCER, FAMILIAL; hereditary breast carcinoma; Hereditary breast cancer. Identifiers: Orphanet 227535, MedGen C0346153, MONDO:0016419, OMIM 114480. Disease mechanism: loss of function.
Hereditary cancer-predisposing syndrome. Also called: Hereditary neoplastic syndrome; Tumor predisposition; Hereditary Cancer Syndrome; Neoplastic Syndromes, Hereditary. Identifiers: Orphanet 140162, MedGen C0027672, MeSH D009386, MONDO:0015356.

Submissions (4):

Ambry Genetics
Classification: Uncertain significance for Hereditary cancer-predisposing syndrome. Last evaluated: 2024-11-14. Review status: criteria provided, single submitter. Criteria: Ambry Variant Classification Scheme 2023. Collection method: clinical testing. Allele origin: germline.
Comment: The p.T554P variant (also known as c.1660A>C), located in coding exon 10 of the ATM gene, results from an A to C substitution at nucleotide position 1660. The threonine at codon 554 is replaced by proline, an amino acid with highly similar properties. This amino acid position is not well conserved in available vertebrate species. In addition, this alteration is predicted to be tolerated by in silico analysis. Based on the available evidence, the clinical significance of this variant remains unclear.

Baylor Genetics
Classification: Uncertain significance for Familial cancer of breast. Last evaluated: 2024-03-17. Review status: criteria provided, single submitter. Criteria: ACMG Guidelines, 2015. Collection method: clinical testing. Allele origin: unknown.

Color Diagnostics, LLC DBA Color Health
Classification: Uncertain significance for Hereditary cancer-predisposing syndrome. Last evaluated: 2024-02-06. Review status: criteria provided, single submitter. Criteria: ACMG Guidelines, 2015. Collection method: clinical testing. Allele origin: germline.
Comment: This missense variant replaces threonine with proline at codon 554 of the ATM protein. Computational prediction suggests that this variant may not impact protein structure and function. To our knowledge, functional studies have not been reported for this variant. This variant has not been reported in individuals affected with ATM-related disorders in the literature. This variant has not been identified in the general population by the Genome Aggregation Database (gnomAD). The available evidence is insufficient to determine the role of this variant in disease conclusively. Therefore, this variant is classified as a Variant of Uncertain Significance.

Labcorp Genetics (formerly Invitae), Labcorp
Classification: Uncertain significance for Ataxia-telangiectasia syndrome. Last evaluated: 2022-06-12. Review status: criteria provided, single submitter. Criteria: Invitae Variant Classification Sherloc (09022015). Collection method: clinical testing. Allele origin: germline.
Comment: This variant has not been reported in the literature in individuals affected with ATM-related conditions. In summary, the available evidence is currently insufficient to determine the role of this variant in disease. Therefore, it has been classified as a Variant of Uncertain Significance. Advanced modeling of protein sequence and biophysical properties (such as structural, functional, and spatial information, amino acid conservation, physicochemical variation, residue mobility, and thermodynamic stability) performed at Invitae indicates that this missense variant is not expected to disrupt ATM protein function. This variant is not present in population databases (gnomAD no frequency). This sequence change replaces threonine, which is neutral and polar, with proline, which is neutral and non-polar, at codon 554 of the ATM protein (p.Thr554Pro).